The following is an entry in ClinVar:

NM_017514.5(PLXNA3):c.5521-7C>T

Gene: PLXNA3 (plexin A3; plus strand). Cytogenetic location: Xq28.
Variant type: single nucleotide variant.
Coding change: c.5521-7C>T on transcript NM_017514.5 (MANE Select); 7 bases into the intron before coding-DNA position 5521, C replaced by T.
Molecular consequence: intron variant.
Genome position (GRCh38, 1-based): chrX:154,472,583, C>T. VCF-style: chrX-154472583-C-T. GRCh37 (hg19) VCF-style: chrX-153700926-C-T.
Identifiers: ClinVar variation 3036378 (VCV003036378.2), dbSNP rs1362648890, ClinGen allele CA645172737.

ClinVar aggregate classification (germline): Likely benign (0 of 4 stars; one submission).

Conditions:
PLXNA3-related disorder. Also called: PLXNA3-related condition.

Allele frequency attached by ClinVar (database versions not stated): TOPMed 0.00002; gnomAD 0.00004.
gnomAD v4.1: 42 of 1,185,737 alleles (0.0035%); highest among the groups gnomAD compares: Non-Finnish European, 0.0039%; no homozygotes.

Submission:

PreventionGenetics, part of Exact Sciences
Classification: Likely benign for PLXNA3-related condition. Last evaluated: 2022-12-22. Review status: no assertion criteria provided. Collection method: clinical testing. Allele origin: germline.
Comment: This variant is classified as likely benign based on ACMG/AMP sequence variant interpretation guidelines (Richards et al. 2015 PMID: 25741868, with internal and published modifications).